The following is an entry in ClinVar:

NM_005475.3(SH2B3):c.95T>C (p.Leu32Ser)

Gene: SH2B3 (SH2B adaptor protein 3; plus strand). Cytogenetic location: 12q24.12.
Variant type: single nucleotide variant.
Coding change: c.95T>C on transcript NM_005475.3 (MANE Select); coding-DNA position 95, T replaced by C.
Protein change: p.Leu32Ser; replaces leucine 32 with serine.
Molecular consequence: missense variant.
Genome position (GRCh38, 1-based): chr12:111,418,240, T>C. VCF-style: chr12-111418240-T-C. GRCh37 (hg19) VCF-style: chr12-111856044-T-C.
Other names: short protein forms L32S.
Identifiers: ClinVar variation 3795212 (VCV003795212.1).

ClinVar aggregate classification (germline): Uncertain significance (1 of 4 stars; one submission).

Conditions:
Inborn genetic diseases. Identifiers: MedGen C0950123, MeSH D030342.

Submission:

Ambry Genetics
Classification: Uncertain significance for Inborn genetic diseases. Last evaluated: 2025-02-20. Review status: criteria provided, single submitter. Criteria: Ambry Variant Classification Scheme 2023. Collection method: clinical testing. Allele origin: germline.
Comment: The p.L32S variant (also known as c.95T>C), located in coding exon 1 of the SH2B3 gene, results from a T to C substitution at nucleotide position 95. The leucine at codon 32 is replaced by serine, an amino acid with dissimilar properties. This amino acid position is conserved. In addition, this alteration is predicted to be tolerated by in silico analysis. Based on the available evidence, the clinical significance of this variant remains unclear.